The following is an entry in ClinVar:

NM_001395656.1(ROBO2):c.371C>T (p.Ala124Val)

Gene: ROBO2 (roundabout guidance receptor 2; plus strand). Cytogenetic location: 3p12.3.
Variant type: single nucleotide variant.
Coding change: c.371C>T on transcript NM_001395656.1 (MANE Select); coding-DNA position 371, C replaced by T.
Protein change: p.Ala124Val; replaces alanine 124 with valine.
Molecular consequence: missense variant. On other transcripts: 5 prime UTR variant (1).
Genome position (GRCh38, 1-based): chr3:77,098,323, C>T. VCF-style: chr3-77098323-C-T. GRCh37 (hg19) VCF-style: chr3-77147474-C-T.
Other names: c.419C>T, p.Ala140Val (NM_001128929.3, NM_001378190.1, NM_001378191.1 and 5 more transcripts); c.371C>T, p.Ala124Val (NM_001290039.2, NM_001290040.2, NM_001378193.1 and 3 more transcripts); c.-1548C>T (NM_001290065.2); c.440C>T, p.Ala147Val (NM_001378192.1, NM_001378194.1, NM_001378198.1 and 5 more transcripts); short protein forms A124V, A140V, A147V.
Identifiers: ClinVar variation 1303319 (VCV001303319.4), dbSNP rs762759644, ClinGen allele CA2496698.

ClinVar aggregate classification (germline): Uncertain significance. Review status: criteria provided, multiple submitters, no conflicts (2 of 4 stars). 2 submissions from 2 submitters: Uncertain significance (2). Last evaluated 2021-12-14.

Conditions:
Vesicoureteral reflux 2 (VUR2). Identifiers: Orphanet 289365, MedGen C1970483, MONDO:0012573, OMIM 610878.

Allele frequency attached by ClinVar (database versions not stated): gnomAD exomes below 0.00001 and 0.00003; TOPMed below 0.00001; ExAC 0.00001.
gnomAD v4.1: 39 of 1,614,142 alleles (0.0024%); highest among the groups gnomAD compares: Non-Finnish European, 0.0031%; no homozygotes.

Submissions (2):

Fulgent Genetics
Classification: Uncertain significance for Vesicoureteral reflux 2. Last evaluated: 2021-12-14. Review status: criteria provided, single submitter. Criteria: ACMG Guidelines, 2015. Collection method: clinical testing. Allele origin: unknown.

GeneDx
Classification: Uncertain significance. Last evaluated: 2019-09-05. Review status: criteria provided, single submitter. Criteria: GeneDx Variant Classification Process June 2021. Collection method: clinical testing. Allele origin: germline. Affected: yes.
Comment: Not observed at a significant frequency in large population cohorts (Lek et al., 2016); Has not been previously published as pathogenic or benign to our knowledge